The following is an entry in ClinVar:

NM_000179.3(MSH6):c.412_432del (p.Pro138_Ser144del)

Gene: MSH6 (mutS homolog 6; plus strand). Cytogenetic location: 2p16.3.
Variant type: Deletion.
Coding change: c.412_432del on transcript NM_000179.3 (MANE Select); coding-DNA positions 412 to 432, 21 bases deleted (CCAACAAGGGGCTGGGTTAGC).
Protein change: p.Pro138_Ser144del.
Molecular consequence: 5 prime UTR variant (on NM_001281493.2). On other transcripts: non-coding transcript variant (5), intron variant (6).
Genome position (GRCh38, 1-based): chr2:47,791,078-47,791,098, CCAACAAGGGGCTGGGTTAGC deleted; deleting any 21 consecutive bases within chr2:47,791,075-47,791,098 gives the same sequence; the c. name uses the placement nearest the transcript's 3' end. VCF-style (leftmost placement, unchanged base first): chr2-47791074-CAGCCCAACAAGGGGCTGGGTT-C. GRCh37 (hg19) VCF-style: chr2-48018213-CAGCCCAACAAGGGGCTGGGTT-C.
Other names: c.-325_-305del (NM_001281493.2, NM_001406811.1, NM_001406823.1 and 1 more transcripts); c.-491_-471del (NM_001281494.2); c.508_528del, p.Pro170_Ser176del (NM_001406795.1, NM_001406802.1); c.412_432del, p.Pro138_Ser144del (NM_001406796.1, NM_001406798.1, NM_001406800.1 and 6 more transcripts); c.115_135del, p.Pro39_Ser45del (NM_001406797.1, NM_001406801.1, NM_001406805.1 and 10 more transcripts); c.334_354del, p.Pro112_Ser118del (NM_001406804.1); c.-517_-497del (NM_001406807.1); c.-583_-563del (NM_001406814.1); and 5 more.
Identifiers: ClinVar variation 3668678 (VCV003668678.2).

ClinVar aggregate classification (germline): Uncertain significance (1 of 4 stars; one submission).

Conditions:
Hereditary nonpolyposis colorectal neoplasms. Identifiers: MedGen C0009405, MeSH D003123.

Submission:

Labcorp Genetics (formerly Invitae), Labcorp
Classification: Uncertain significance for Hereditary nonpolyposis colorectal neoplasms. Last evaluated: 2024-10-09. Review status: criteria provided, single submitter. Criteria: Invitae Variant Classification Sherloc (09022015). Collection method: clinical testing. Allele origin: germline.
Comment: This variant, c.412_432del, results in the deletion of 7 amino acid(s) of the MSH6 protein (p.Pro138_Ser144del), but otherwise preserves the integrity of the reading frame. This variant is not present in population databases (gnomAD no frequency). This variant has not been reported in the literature in individuals affected with MSH6-related conditions. Experimental studies and prediction algorithms are not available or were not evaluated, and the functional significance of this variant is currently unknown. In summary, the available evidence is currently insufficient to determine the role of this variant in disease. Therefore, it has been classified as a Variant of Uncertain Significance.